The following is an entry in ClinVar:

ClinVar aggregate classification (germline): Likely benign. Review status: criteria provided, multiple submitters, no conflicts (2 of 4 stars). 2 submissions from 2 submitters: Likely benign (2). Last evaluated 2025-01-28.

Conditions:
PDE11A-related disorder. Also called: PDE11A-related condition.

gnomAD v4.1: 4,546 of 1,613,118 alleles (0.28%); highest among the groups gnomAD compares: Non-Finnish European, 0.35%; 11 homozygotes.

Submissions (2):

PreventionGenetics, part of Exact Sciences
Classification: Likely benign for PDE11A-related condition. Last evaluated: 2025-01-28. Review status: criteria provided, single submitter. Criteria: ACMG Guidelines, 2015. Collection method: clinical testing. Allele origin: germline.
Comment: This variant is classified as likely benign based on ACMG/AMP sequence variant interpretation guidelines (Richards et al. 2015 PMID: 25741868, with internal and published modifications).

Blueprint Genetics
Classification: Likely benign. Last evaluated: 2024-11-21. Review status: criteria provided, single submitter. Criteria: ACMG Guidelines, 2015. Collection method: clinical testing. Allele origin: germline.

NM_016953.4(PDE11A):c.1045G>A (p.Ala349Thr)

Gene: PDE11A (phosphodiesterase 11A; minus strand). Cytogenetic location: 2q31.2.
Variant type: single nucleotide variant.
Coding change: c.1045G>A on transcript NM_016953.4 (MANE Select); coding-DNA position 1045, G replaced by A.
Protein change: p.Ala349Thr; replaces alanine 349 with threonine.
Molecular consequence: missense variant.
Genome position (GRCh38, 1-based): chr2:178,014,328, C>T on the plus strand (G>A on the coding strand, the complement: PDE11A is on the minus strand). VCF-style: chr2-178014328-C-T. GRCh37 (hg19) VCF-style: chr2-178879055-C-T.
Other names: c.295G>A, p.Ala99Thr (NM_001077197.2); c.1045G>A (NM_016953.3); short protein forms A349T, A99T.
Identifiers: ClinVar variation 4957862 (VCV004957862.2).